The following is an entry in ClinVar:

NM_020461.4(TUBGCP6):c.310C>G (p.Leu104Val)

Gene: TUBGCP6 (tubulin gamma complex component 6; minus strand). Cytogenetic location: 22q13.33.
Variant type: single nucleotide variant.
Coding change: c.310C>G on transcript NM_020461.4 (MANE Select); coding-DNA position 310, C replaced by G.
Protein change: p.Leu104Val; replaces leucine 104 with valine.
Molecular consequence: missense variant.
Genome position (GRCh38, 1-based): chr22:50,244,150, G>C on the plus strand (C>G on the coding strand, the complement: TUBGCP6 is on the minus strand). VCF-style: chr22-50244150-G-C. GRCh37 (hg19) VCF-style: chr22-50682579-G-C.
Other names: short protein forms L104V.
Identifiers: ClinVar variation 2630581 (VCV002630581.1), dbSNP rs2519212837, ClinGen allele CA412115879.
Genomic context (GRCh38, chr22:50,244,150, plus strand): 5'-GAGGGGGACCACTCCCTGCCAGCTGAACCAGGAGGTCCAAAACAGACCCCACCTCCAAAA[G>C]CGGACAGCAAGGGGCTGCTTCCAGCTCCTCCACAAGCTCCTCCAAACGGTCGGCCTTGGG-3'
Protein context (NP_065194.3, residues 94-114): EELEAAPCCP[Leu104Val]LEVGSVLDLL

ClinVar aggregate classification (germline): Uncertain significance (1 of 4 stars; one submission).

Conditions:
TUBGCP6-related disorder. Also called: TUBGCP6-related condition.

gnomAD v4.1: 2 of 1,613,484 alleles (0.00012%); highest among the groups gnomAD compares: Non-Finnish European, 0.000085%; no homozygotes.

Submission:

PreventionGenetics, part of Exact Sciences
Classification: Uncertain significance for TUBGCP6-related condition. Last evaluated: 2023-08-05. Review status: criteria provided, single submitter. Criteria: ACMG Guidelines, 2015. Collection method: clinical testing. Allele origin: germline.
Comment: The TUBGCP6 c.310C>G variant is predicted to result in the amino acid substitution p.Leu104Val. To our knowledge, this variant has not been reported in the literature or in a large population database, indicating this variant is rare. At this time, the clinical significance of this variant is uncertain due to the absence of conclusive functional and genetic evidence.